The following is an entry in ClinVar:

NM_007254.4(PNKP):c.28T>C (p.Leu10=)

Gene: PNKP (polynucleotide kinase 3'-phosphatase; minus strand). Cytogenetic location: 19q13.33.
Variant type: single nucleotide variant.
Coding change: c.28T>C on transcript NM_007254.4 (MANE Select); coding-DNA position 28, T replaced by C.
Protein change: p.Leu10=; no amino-acid change (leucine 10 retained).
Molecular consequence: synonymous variant.
Genome position (GRCh38, 1-based): chr19:49,867,177, A>G on the plus strand (T>C on the coding strand, the complement: PNKP is on the minus strand). VCF-style: chr19-49867177-A-G. GRCh37 (hg19) VCF-style: chr19-50370434-A-G.
Other names: p.Leu10=.
Identifiers: ClinVar variation 2909686 (VCV002909686.4), dbSNP rs2514644276, ClinGen allele CA508136882.
Genomic context (GRCh38, chr19:49,867,177, plus strand): 5'-CTTGCCCGTCCGAGGGCAGGAAGATGGGGGGCGCTCCCCCAGGGGGGCTCTCGAGCCACA[A>G]GCGGCCCGGGGCCTCCACCTCGCCCATCCTGGGTGCCGGCCTGGGGAGCAGGTAAACGGG-3'
Protein context (NP_009185.2, residues 1-20): MGEVEAPGR[Leu10=]WLESPPGGAP

ClinVar aggregate classification (germline): Likely benign. Review status: criteria provided, multiple submitters, no conflicts (2 of 4 stars). 2 submissions from 2 submitters: Likely benign (2). Last evaluated 2025-08-08.

Conditions:
Developmental and epileptic encephalopathy, 12 (DEE12). Identifiers: MedGen C3150988, MONDO:0013389, OMIM 613722.

Allele frequency attached by ClinVar (database versions not stated): gnomAD exomes below 0.00001.
gnomAD v4.1: 6 of 1,612,078 alleles (0.00037%); highest among the groups gnomAD compares: Non-Finnish European, 0.00051%; no homozygotes.

Submissions (2):

Mayo Clinic Laboratories, Mayo Clinic
Classification: Likely benign. Last evaluated: 2025-08-08. Review status: criteria provided, single submitter. Criteria: ACMG Guidelines, 2015. Collection method: clinical testing. Allele origin: germline. Observed: 1 variant allele.
Comment: BP4, BP7

Labcorp Genetics (formerly Invitae), Labcorp
Classification: Likely benign for Developmental and epileptic encephalopathy, 12. Last evaluated: 2023-05-20. Review status: criteria provided, single submitter. Criteria: Invitae Variant Classification Sherloc (09022015). Collection method: clinical testing. Allele origin: germline.